The following is an entry in ClinVar:

NM_001849.4(COL6A2):c.854A>G (p.Gln285Arg)

Gene: COL6A2 (collagen type VI alpha 2 chain; plus strand). Cytogenetic location: 21q22.3.
Variant type: single nucleotide variant.
Coding change: c.854A>G on transcript NM_001849.4 (MANE Select); coding-DNA position 854, A replaced by G.
Protein change: p.Gln285Arg; replaces glutamine 285 with arginine.
Molecular consequence: missense variant.
Genome position (GRCh38, 1-based): chr21:46,115,924, A>G. VCF-style: chr21-46115924-A-G. GRCh37 (hg19) VCF-style: chr21-47535838-A-G.
Other names: c.854A>G, p.Gln285Arg (NM_058174.3, NM_058175.3); short protein forms Q285R.
Identifiers: ClinVar variation 3604399 (VCV003604399.2).

ClinVar aggregate classification (germline): Uncertain significance (1 of 4 stars; one submission).

Conditions:
Bethlem myopathy 1A. Also called: Bethlem myopathy 1; MYOPATHY, BENIGN CONGENITAL, WITH CONTRACTURES; Bethlem Muscular Dystrophy. Identifiers: Orphanet 610, MedGen CN029274, MONDO:0024530, OMIM 158810.

gnomAD v4.1: 1 of 1,612,930 alleles (0.000062%); highest among the groups gnomAD compares: Non-Finnish European, 0.000085%; no homozygotes.

Submission:

Labcorp Genetics (formerly Invitae), Labcorp
Classification: Uncertain significance for Bethlem myopathy 1A. Last evaluated: 2024-07-05. Review status: criteria provided, single submitter. Criteria: Invitae Variant Classification Sherloc (09022015). Collection method: clinical testing. Allele origin: germline.
Comment: This sequence change replaces glutamine, which is neutral and polar, with arginine, which is basic and polar, at codon 285 of the COL6A2 protein (p.Gln285Arg). This variant is not present in population databases (gnomAD no frequency). This variant has not been reported in the literature in individuals affected with COL6A2-related conditions. An algorithm developed to predict the effect of missense changes on protein structure and function (PolyPhen-2) suggests that this variant is likely to be tolerated. In summary, the available evidence is currently insufficient to determine the role of this variant in disease. Therefore, it has been classified as a Variant of Uncertain Significance.